The following is an entry in ClinVar:

NM_002474.3(MYH11):c.5083-46C>A

Genes: NDE1 (nudE neurodevelopment protein 1; plus strand), MYH11 (myosin heavy chain 11; minus strand). Cytogenetic location: 16p13.11.
Variant type: single nucleotide variant.
Coding change: c.5083-46C>A on transcript NM_002474.3 (MANE Select); 46 bases into the intron before coding-DNA position 5083, C replaced by A.
Molecular consequence: intron variant.
Genome position (GRCh38, 1-based): chr16:15,719,354, G>T on the plus strand (C>A on the coding strand, the complement: MYH11 is on the minus strand). VCF-style: chr16-15719354-G-T. GRCh37 (hg19) VCF-style: chr16-15813211-G-T.
Other names: c.948-4837G>T (NM_001143979.2, NM_017668.3); c.5083-46C>A (NM_022844.3); c.5104-46C>A (NM_001040114.2, NM_001040113.2).
Identifiers: ClinVar variation 670998 (VCV000670998.4), dbSNP rs11646134, ClinGen allele CA7921440.

ClinVar aggregate classification (germline): Benign. Review status: criteria provided, multiple submitters, no conflicts (2 of 4 stars). 5 submissions from 3 submitters: Benign (5). Last evaluated 2021-09-05.

Conditions:
Visceral myopathy 2. Identifiers: MedGen C5543466, MONDO:0859157, OMIM 619350.
Megacystis-microcolon-intestinal hypoperistalsis syndrome 2. Identifiers: MedGen C5543476, MONDO:0025708, OMIM 619351.
Aortic aneurysm, familial thoracic 4 (AAT4). Also called: AORTIC ANEURYSM/AORTIC DISSECTION AND PATENT DUCTUS ARTERIOSUS. Identifiers: MedGen C1851504, MONDO:0007568, OMIM 132900.

Allele frequency attached by ClinVar (database versions not stated): 1000 Genomes Project 30x 0.34978; 1000 Genomes Project 0.35244; TOPMed 0.40252; ESP Exome Variant Server 0.40819; gnomAD 0.41007 and 0.41172; ExAC 0.47533; gnomAD exomes 0.47796.
gnomAD v4.1: 767,588 of 1,588,244 alleles (48%); highest among the groups gnomAD compares: Middle Eastern, 60%; 191,199 homozygotes.

Submissions (5):

Genome-Nilou Lab
Classification: Benign for Aortic aneurysm, familial thoracic 4. Last evaluated: 2021-09-05. Review status: criteria provided, single submitter. Criteria: ACMG Guidelines, 2015. Collection method: clinical testing. Allele origin: germline. Affected: no.

Genome-Nilou Lab
Classification: Benign for Megacystis-microcolon-intestinal hypoperistalsis syndrome 2. Last evaluated: 2021-09-05. Review status: criteria provided, single submitter. Criteria: ACMG Guidelines, 2015. Collection method: clinical testing. Allele origin: germline. Affected: no.

Genome-Nilou Lab
Classification: Benign for Visceral myopathy 2. Last evaluated: 2021-09-05. Review status: criteria provided, single submitter. Criteria: ACMG Guidelines, 2015. Collection method: clinical testing. Allele origin: germline. Affected: no.

GeneDx
Classification: Benign. Last evaluated: 2018-06-14. Review status: criteria provided, single submitter. Criteria: GeneDx Variant Classification (06012015). Collection method: clinical testing. Allele origin: germline. Affected: yes.
Comment: This variant is considered likely benign or benign based on one or more of the following criteria: it is a conservative change, it occurs at a poorly conserved position in the protein, it is predicted to be benign by multiple in silico algorithms, and/or has population frequency not consistent with disease.

Breakthrough Genomics
Classification: Benign. Review status: criteria provided, single submitter. Criteria: ACMG Guidelines, 2015. Collection method: not provided. Allele origin: germline. Inheritance: Autosomal recessive inheritance. Affected: yes.